The following is an entry in ClinVar:

NM_182493.3(MYLK3):c.1772+4A>G

Gene: MYLK3 (myosin light chain kinase 3; minus strand). Cytogenetic location: 16q11.2.
Variant type: single nucleotide variant.
Coding change: c.1772+4A>G on transcript NM_182493.3 (MANE Select); 4 bases into the intron after coding-DNA position 1772, A replaced by G.
Molecular consequence: intron variant.
Genome position (GRCh38, 1-based): chr16:46,729,020, T>C on the plus strand (A>G on the coding strand, the complement: MYLK3 is on the minus strand). VCF-style: chr16-46729020-T-C. GRCh37 (hg19) VCF-style: chr16-46762932-T-C.
Other names: c.749+4A>G (NM_001308301.1).
Identifiers: ClinVar variation 2105464 (VCV002105464.4), dbSNP rs1966847430, ClinGen allele CA976950001.

ClinVar aggregate classification (germline): Uncertain significance (1 of 4 stars; one submission).

Allele frequency attached by ClinVar (database versions not stated): gnomAD exomes below 0.00001; gnomAD 0.00001.

Submission:

Labcorp Genetics (formerly Invitae), Labcorp
Classification: Uncertain significance. Last evaluated: 2023-06-24. Review status: criteria provided, single submitter. Criteria: Invitae Variant Classification Sherloc (09022015). Collection method: clinical testing. Allele origin: germline.
Comment: In summary, the available evidence is currently insufficient to determine the role of this variant in disease. Therefore, it has been classified as a Variant of Uncertain Significance. Variants that disrupt the consensus splice site are a relatively common cause of aberrant splicing (PMID: 17576681, 9536098). Algorithms developed to predict the effect of sequence changes on RNA splicing suggest that this variant may create or strengthen a splice site. ClinVar contains an entry for this variant (Variation ID: 2105464). This variant has not been reported in the literature in individuals affected with MYLK3-related conditions. This variant is not present in population databases (gnomAD no frequency). This sequence change falls in intron 7 of the MYLK3 gene. It does not directly change the encoded amino acid sequence of the MYLK3 protein. It affects a nucleotide within the consensus splice site.

Literature cited by the submitters: PubMed 17576681; PubMed 9536098.